The following is an entry in ClinVar:

ClinVar aggregate classification (germline): Likely benign (0 of 4 stars; one submission).

Conditions:
SPTBN5-related disorder. Also called: SPTBN5-related condition.

Allele frequency attached by ClinVar (database versions not stated): 1000 Genomes Project 30x 0.00016; 1000 Genomes Project 0.00020; gnomAD 0.00045; TOPMed 0.00055; ESP Exome Variant Server 0.00064; ExAC 0.00090; gnomAD exomes 0.00095.
gnomAD v4.1: 1,444 of 1,612,842 alleles (0.09%); highest among the groups gnomAD compares: South Asian, 0.14%; 1 homozygote.

Submission:

PreventionGenetics, part of Exact Sciences
Classification: Likely benign for SPTBN5-related condition. Last evaluated: 2023-03-20. Review status: no assertion criteria provided. Collection method: clinical testing. Allele origin: germline.
Comment: This variant is classified as likely benign based on ACMG/AMP sequence variant interpretation guidelines (Richards et al. 2015 PMID: 25741868, with internal and published modifications).

NM_016642.4(SPTBN5):c.5503G>A (p.Asp1835Asn)

Gene: SPTBN5 (spectrin beta, non-erythrocytic 5; minus strand). Cytogenetic location: 15q15.1.
Variant type: single nucleotide variant.
Coding change: c.5503G>A on transcript NM_016642.4 (MANE Select); coding-DNA position 5503, G replaced by A.
Protein change: p.Asp1835Asn; replaces aspartic acid 1835 with asparagine.
Molecular consequence: missense variant.
Genome position (GRCh38, 1-based): chr15:41,870,505, C>T on the plus strand (G>A on the coding strand, the complement: SPTBN5 is on the minus strand). VCF-style: chr15-41870505-C-T. GRCh37 (hg19) VCF-style: chr15-42162703-C-T.
Other names: short protein forms D1835N.
Identifiers: ClinVar variation 3052963 (VCV003052963.2), dbSNP rs137894188, ClinGen allele CA7502930.
Genomic context (GRCh38, chr15:41,870,505, plus strand): 5'-CCTGGACCTGGGTGAGGACTTCCAAGAGATCTCTGTGAACTCTGAGGGTGGTCTCGGTGT[C>T]TCGGAGCGCGTGGCCTCGGGCCTGGGTCAGCTCCCACAGCTCCGACCAGGCGGTCCTGCC-3'
Protein context (NP_057726.4, residues 1825-1845): LTQARGHALR[Asp1835Asn]TETTLRVHRD